The following is an entry in ClinVar:

ClinVar aggregate classification (germline): Uncertain significance. Review status: criteria provided, multiple submitters, no conflicts (2 of 4 stars). 2 submissions from 2 submitters: Uncertain significance (2). Last evaluated 2026-01-05.

Conditions:
Polycystic kidney disease 2 (PKD2). Also called: POLYCYSTIC KIDNEY DISEASE 2 WITH OR WITHOUT POLYCYSTIC LIVER DISEASE; Polycystic Kidney Disease 2, Autosomal Dominant; POLYCYSTIC KIDNEY DISEASE, ADULT, TYPE II. Identifiers: MedGen C2751306, MONDO:0013131, OMIM 613095.
Autosomal dominant polycystic kidney disease. Identifiers: Orphanet 730, MedGen C0085413, MONDO:0004691.

Allele frequency attached by ClinVar (database versions not stated): ExAC 0.00001; gnomAD 0.00001.
gnomAD v4.1: 12 of 1,572,332 alleles (0.00076%); highest among the groups gnomAD compares: East Asian, 0.0022%; no homozygotes.

Submissions (2):

Labcorp Genetics (formerly Invitae), Labcorp
Classification: Uncertain significance for Autosomal dominant polycystic kidney disease. Last evaluated: 2026-01-05. Review status: criteria provided, single submitter. Criteria: Invitae Variant Classification Sherloc (09022015). Collection method: clinical testing. Allele origin: germline.
Comment: This sequence change replaces threonine, which is neutral and polar, with isoleucine, which is neutral and non-polar, at codon 203 of the PKD2 protein (p.Thr203Ile). The frequency data for this variant in the population databases is considered unreliable, as metrics indicate poor data quality at this position in the gnomAD database. This missense change has been observed in individual(s) with polycystic kidney disease, however an individual with this variant also carried additional variants in the PKD1 and PKD2 genes (PMID: 35497784, 37372416). ClinVar contains an entry for this variant (Variation ID: 2167528). Invitae Evidence Modeling of protein sequence and biophysical properties (such as structural, functional, and spatial information, amino acid conservation, physicochemical variation, residue mobility, and thermodynamic stability) indicates that this missense variant is expected to disrupt PKD2 protein function with a positive predictive value of 80%. In summary, the available evidence is currently insufficient to determine the role of this variant in disease. Therefore, it has been classified as a Variant of Uncertain Significance.

Juno Genomics, Hangzhou Juno Genomics, Inc
Classification: Uncertain significance for Polycystic kidney disease 2. Review status: criteria provided, single submitter. Criteria: ACMG Guidelines, 2015. Collection method: clinical testing. Allele origin: germline.
Comment: Absent from controls (or at extremely low frequency if recessive) in Genome Aggregation Database.

Literature cited by the submitters: PubMed 35497784 (cited by Labcorp Genetics (formerly Invitae), Labcorp); PubMed 37372416 (cited by Labcorp Genetics (formerly Invitae), Labcorp).

NM_000297.4(PKD2):c.608C>T (p.Thr203Ile)

Gene: PKD2 (polycystin 2, transient receptor potential cation channel; plus strand). Cytogenetic location: 4q22.1.
Variant type: single nucleotide variant.
Coding change: c.608C>T on transcript NM_000297.4 (MANE Select); coding-DNA position 608, C replaced by T.
Protein change: p.Thr203Ile; replaces threonine 203 with isoleucine.
Molecular consequence: missense variant. On other transcripts: non-coding transcript variant (1).
Genome position (GRCh38, 1-based): chr4:88,019,470, C>T. VCF-style: chr4-88019470-C-T. GRCh37 (hg19) VCF-style: chr4-88940622-C-T.
Other names: short protein forms T203I.
Identifiers: ClinVar variation 2167528 (VCV002167528.6), dbSNP rs770950317, ClinGen allele CA3003744.